The following is an entry in ClinVar:

ClinVar aggregate classification (germline): Benign/Likely benign. Review status: criteria provided, multiple submitters, no conflicts (2 of 4 stars). 12 submissions from 12 submitters: Benign (2); Likely benign (9). 1 of the submissions does not count toward it. Last evaluated 2026-07-01.

Conditions:
Ehlers-Danlos syndrome (EDS). Identifiers: Orphanet 98249, MedGen C0013720, MONDO:0020066.
FBN2-related disorder. Also called: FBN2-related condition.
Connective tissue disorder. Also called: Connective tissue disease. Identifiers: MedGen C0009782, MONDO:0003900.
Congenital contractural arachnodactyly (CCA). Also called: Arthrogryposis, distal, type 9; Beals-Hecht syndrome; BEALS SYNDROME. Identifiers: Orphanet 115, MedGen C0220668, MONDO:0007363, OMIM 121050.
Familial thoracic aortic aneurysm and aortic dissection (TAAD). Also called: Thoracic aortic aneurysms and dissections. Identifiers: Orphanet 91387, MedGen C4707243, MONDO:0019625.

Allele frequency attached by ClinVar (database versions not stated): 1000 Genomes Project 0.00020; 1000 Genomes Project 30x 0.00031; TOPMed 0.00085; gnomAD exomes 0.00099 and 0.00136; gnomAD 0.00117 and 0.00118; ExAC 0.00128; ESP Exome Variant Server 0.00161.
gnomAD v4.1: 1,606 of 1,613,724 alleles (0.1%); highest among the groups gnomAD compares: South Asian, 0.16%; 9 homozygotes.

Submissions (12):

CeGaT Center for Human Genetics Tuebingen
Classification: Likely benign. Last evaluated: 2026-07-01. Review status: criteria provided, single submitter. Criteria: CeGaT Center For Human Genetics Tuebingen Variant Classification Criteria Version 2. Collection method: clinical testing. Allele origin: germline. Affected: yes. Observed: 23 variant alleles.
Comment: FBN2: BS1

Labcorp Genetics (formerly Invitae), Labcorp
Classification: Likely benign for Congenital contractural arachnodactyly. Last evaluated: 2026-01-31. Review status: criteria provided, single submitter. Criteria: Invitae Variant Classification Sherloc (09022015). Collection method: clinical testing. Allele origin: germline.

Blueprint Genetics
Classification: Likely benign. Last evaluated: 2024-11-22. Review status: criteria provided, single submitter. Criteria: ACMG Guidelines, 2015. Collection method: clinical testing. Allele origin: germline.

Mayo Clinic Laboratories, Mayo Clinic
Classification: Benign. Last evaluated: 2024-07-18. Review status: criteria provided, single submitter. Criteria: ACMG Guidelines, 2015. Collection method: clinical testing. Allele origin: germline. Observed: 5 variant alleles.
Comment: BS1, BS2

ARUP Laboratories, Molecular Genetics and Genomics, ARUP Laboratories
Classification: Likely benign. Last evaluated: 2024-03-25. Review status: criteria provided, single submitter. Criteria: ARUP Molecular Germline Variant Investigation Process 2024. Collection method: clinical testing. Allele origin: germline.

Women's Health and Genetics/Laboratory Corporation of America, LabCorp
Classification: Likely benign. Last evaluated: 2023-08-24. Review status: criteria provided, single submitter. Criteria: LabCorp Variant Classification Summary - May 2015. Collection method: clinical testing. Allele origin: germline.

GeneDx
Classification: Likely benign. Last evaluated: 2020-10-16. Review status: criteria provided, single submitter. Criteria: GeneDx Variant Classification Process June 2021. Collection method: clinical testing. Allele origin: germline. Affected: yes.
Comment: This variant is associated with the following publications: (PMID: 28550590)

Genome Diagnostics Laboratory, The Hospital for Sick Children
Classification: Likely benign for Ehlers-Danlos syndrome. Last evaluated: 2020-05-01. Review status: criteria provided, single submitter. Criteria: ACMG Guidelines, 2015. Collection method: clinical testing. Allele origin: germline.

Ambry Genetics
Classification: Likely benign for Familial thoracic aortic aneurysm and aortic dissection. Last evaluated: 2018-01-15. Review status: criteria provided, single submitter. Criteria: Ambry Variant Classification Scheme 2023. Collection method: clinical testing. Allele origin: germline.

Illumina Laboratory Services, Illumina
Classification: Benign for Congenital contractural arachnodactyly. Last evaluated: 2018-01-13. Review status: criteria provided, single submitter. Criteria: ICSL Variant Classification Criteria 13 December 2019. Collection method: clinical testing. Allele origin: germline.
Comment: This variant was observed in the ICSL laboratory as part of a predisposition screen in an ostensibly healthy population. It had not been previously curated by ICSL or reported in the Human Gene Mutation Database (HGMD: prior to June 1st, 2018), and was therefore a candidate for classification through an automated scoring system. Utilizing variant allele frequency, disease prevalence and penetrance estimates, and inheritance mode, an automated score was calculated to assess if this variant is too frequent to cause the disease. Based on the score and internal cut-off values, a variant classified as benign is not then subjected to further curation. The score for this variant resulted in a classification of benign for this disease.

Center for Human Genetics, Inc
Classification: Likely benign for Connective tissue disorder. Last evaluated: 2016-11-01. Review status: criteria provided, single submitter. Criteria: ACMG Guidelines, 2015. Collection method: clinical testing. Allele origin: germline. Affected: yes.

PreventionGenetics, part of Exact Sciences
Classification: Benign for FBN2-related condition. Last evaluated: 2020-03-12. Review status: no assertion criteria provided. Collection method: clinical testing. Allele origin: germline. Not counted in ClinVar's aggregate classification.
Comment: This variant is classified as benign based on ACMG/AMP sequence variant interpretation guidelines (Richards et al. 2015 PMID: 25741868, with internal and published modifications).

NM_001999.4(FBN2):c.1592G>C (p.Gly531Ala)

Gene: FBN2 (fibrillin 2; minus strand). Cytogenetic location: 5q23.3.
Variant type: single nucleotide variant.
Coding change: c.1592G>C on transcript NM_001999.4 (MANE Select); coding-DNA position 1592, G replaced by C.
Protein change: p.Gly531Ala; replaces glycine 531 with alanine.
Molecular consequence: missense variant.
Genome position (GRCh38, 1-based): chr5:128,392,029, C>G on the plus strand (G>C on the coding strand, the complement: FBN2 is on the minus strand). VCF-style: chr5-128392029-C-G. GRCh37 (hg19) VCF-style: chr5-127727722-C-G.
Other names: p.Gly531Ala; short protein forms G531A.
Identifiers: ClinVar variation 213263 (VCV000213263.58), dbSNP rs34450503, ClinGen allele CA322651.